The following is an entry in ClinVar:

ClinVar aggregate classification (germline): Pathogenic. Review status: criteria provided, multiple submitters, no conflicts (2 of 4 stars). 9 submissions from 9 submitters: Pathogenic (8). 1 of the submissions does not count toward it. Last evaluated 2025-08-07.

Conditions:
Familial cancer of breast. Also called: BREAST CANCER, FAMILIAL; Hereditary breast cancer; hereditary breast carcinoma. Identifiers: Orphanet 227535, MedGen C0346153, MONDO:0016419, OMIM 114480. Disease mechanism: loss of function.
Hereditary cancer-predisposing syndrome. Also called: Hereditary Cancer Syndrome; Neoplastic Syndromes, Hereditary; Tumor predisposition; Hereditary neoplastic syndrome. Identifiers: Orphanet 140162, MedGen C0027672, MeSH D009386, MONDO:0015356.
Hereditary breast ovarian cancer syndrome. Also called: Hereditary breast and ovarian cancer; Hereditary breast and ovarian cancer syndrome; Breast and ovarian cancer; Hereditary breast and ovarian cancer syndrome (HBOC); Hereditary breast and/or ovarian cancer syndrome; BRCA1- and BRCA2-Associated Hereditary Breast and Ovarian Cancer. Identifiers: Orphanet 145, MedGen C0677776, MeSH D061325, MONDO:0003582. Disease mechanism: loss of function.
Fanconi anemia complementation group J. Also called: BRIP1-Related Fanconi Anemia. Identifiers: Orphanet 84, MedGen C1836860, MONDO:0012187, OMIM 609054.
Ovarian cancer. Also called: OVARIAN CANCER, SOMATIC. Identifiers: Orphanet 213500, MedGen C1140680, MONDO:0008170, OMIM 167000.

Submissions (9):

Labcorp Genetics (formerly Invitae), Labcorp
Classification: Pathogenic for Familial cancer of breast; Fanconi anemia complementation group J. Last evaluated: 2025-08-07. Review status: criteria provided, single submitter. Criteria: Invitae Variant Classification Sherloc (09022015). Collection method: clinical testing. Allele origin: germline.
Comment: This sequence change creates a premature translational stop signal (p.Lys297Serfs*6) in the BRIP1 gene. It is expected to result in an absent or disrupted protein product. Loss-of-function variants in BRIP1 are known to be pathogenic (PMID: 16116423, 17033622, 21964575). This variant is not present in population databases (gnomAD no frequency). This premature translational stop signal has been observed in individual(s) with personal or family history of ovarian cancer (PMID: 26315354, 26720728). ClinVar contains an entry for this variant (Variation ID: 185987). RNA analysis performed to evaluate the impact of this premature translational stop signal on mRNA splicing indicates it does not significantly alter splicing (internal data). For these reasons, this variant has been classified as Pathogenic.

Color Diagnostics, LLC DBA Color Health
Classification: Pathogenic for Hereditary cancer-predisposing syndrome. Last evaluated: 2025-03-24. Review status: criteria provided, single submitter. Criteria: ACMG Guidelines, 2015. Collection method: clinical testing. Allele origin: germline.
Comment: This variant deletes 1 nucleotide in exon 7 of the BRIP1 gene, creating a frameshift and premature translation stop signal. This variant is expected to result in an absent or non-functional protein product. This variant has been reported in individuals affected with breast cancer (PMID: 33471991), ovarian cancer (PMID: 26720728, 28888541) or with a family history of ovarian in the literature (PMID: 26315354). This variant has not been identified in the general population by the Genome Aggregation Database (gnomAD). Loss of BRIP1 function is a known mechanism of disease. Based on the available evidence, this variant is classified as Pathogenic.

Ambry Genetics
Classification: Pathogenic for Hereditary cancer-predisposing syndrome. Last evaluated: 2024-02-08. Review status: criteria provided, single submitter. Criteria: Ambry Variant Classification Scheme 2023. Collection method: clinical testing. Allele origin: germline.
Comment: The c.890delA pathogenic mutation, located in coding exon 6 of the BRIP1 gene, results from a deletion of one nucleotide at nucleotide position 890, causing a translational frameshift with a predicted alternate stop codon (p.K297Sfs*6). In one study, this alteration was observed in 0/3236 cases with invasive epithelial ovarian cancer and 1/3431 controls; however, the unaffected carrier of this mutation had two close relatives with ovarian cancer (Ramus SJ et al. J. Natl. Cancer Inst., 2015 Nov;107:). Another study detected this mutation in 1/1915 ovarian cancer probands (Norquist BM et al. JAMA Oncol, 2016 Apr;2:482-90). In addition to the clinical data presented in the literature, this alteration is expected to result in loss of function by premature protein truncation or nonsense-mediated mRNA decay. As such, this alteration is interpreted as a disease-causing mutation.

Quest Diagnostics Nichols Institute San Juan Capistrano
Classification: Pathogenic. Last evaluated: 2023-06-02. Review status: criteria provided, single submitter. Criteria: Quest Diagnostics criteria. Collection method: clinical testing. Allele origin: unknown.
Comment: The BRIP1 c.890del (p.Lys297Serfs*6) variant alters the translational reading frame of the BRIP1 mRNA and causes the premature termination of BRIP1 protein synthesis. This variant has been reported in the published literature in affected individuals with ovarian cancer (PMIDs: 26315354 (2015), 26720728 (2016), 28888541 (2017), and 32359370 (2020)) and breast cancer (PMIDs: 26921362 (2016)). It was also found in a breast cancer case in a large scale breast cancer association study (PMID: 33471991 (2021), see also LOVD). This variant has not been reported in large, multi-ethnic general populations (Genome Aggregation Database). Based on the available information, this variant is classified as pathogenic.

Baylor Genetics
Classification: Pathogenic for Familial cancer of breast. Last evaluated: 2023-04-18. Review status: criteria provided, single submitter. Criteria: ACMG Guidelines, 2015. Collection method: clinical testing. Allele origin: unknown.

Myriad Genetics, Inc.
Classification: Pathogenic for Familial cancer of breast. Last evaluated: 2023-02-28. Review status: criteria provided, single submitter. Criteria: Myriad Autosomal Dominant, Autosomal Recessive and X-Linked Classification Criteria (2023). Collection method: clinical testing. Allele origin: unknown.
Comment: This variant is considered pathogenic. This variant creates a frameshift predicted to result in premature protein truncation.

Women's Health and Genetics/Laboratory Corporation of America, LabCorp
Classification: Pathogenic for Hereditary breast ovarian cancer syndrome. Last evaluated: 2021-07-04. Review status: criteria provided, single submitter. Criteria: LabCorp Variant Classification Summary - May 2015. Collection method: clinical testing. Allele origin: germline.
Comment: Variant summary: BRIP1 c.890delA (p.Lys297SerfsX6) results in a premature termination codon, predicted to cause a truncation of the encoded protein or absence of the protein due to nonsense mediated decay, which are commonly known mechanisms for disease. Truncations downstream of this position have been classified as pathogenic by our laboratory. The variant was absent in 250882 control chromosomes (gnomAD). c.890delA has been reported in the literature in individuals affected with Ovarian Cancer or had family history of Ovarian Cancer (example, Ramus_2015, Norquist_2016, cited by Suszynska_2020). One of these studies concluded that BRIP1 mutations are associated with a relatively higher risk of ovarian cancer based on a meta analysis based comparison of a total of approximately 29,400 ovarian cancer patients from 63 studies and a total of approximately 116,000 controls from the gnomAD database (Suszynska_2020). To our knowledge, no experimental evidence demonstrating an impact on protein function has been reported. Six clinical diagnostic laboratories have submitted clinical-significance assessments for this variant to ClinVar after 2014 without evidence for independent evaluation. All laboratories classified the variant as pathogenic/likely pathogenic. Based on the evidence outlined above, the variant was classified as pathogenic.

GeneDx
Classification: Pathogenic. Last evaluated: 2017-03-09. Review status: criteria provided, single submitter. Criteria: GeneDx Variant Classification (06012015). Collection method: clinical testing. Allele origin: germline. Affected: yes.
Comment: This deletion of one nucleotide in BRIP1 is denoted c.890delA at the cDNA level and p.Lys297SerfsX6 (K297SfsX6) at the protein level. The normal sequence, with the base that is deleted in brackets, is GAGA[delA]GTGC. The deletion causes a frameshift, which changes a Lysine to a Serine at codon 297, and creates a premature stop codon at position 6 of the new reading frame. This variant is predicted to cause loss of normal protein function through either protein truncation or nonsense-mediated mRNA decay. BRIP1 c.890delA has been reported in individuals with a personal or family history of ovarian cancer (Norquist 2015, Ramus 2015). We consider this variant to be pathogenic.

Counsyl
Classification: Likely pathogenic for Fanconi anemia complementation group J; Ovarian cancer. Last evaluated: 2016-11-28. Review status: no assertion criteria provided. Collection method: clinical testing. Allele origin: unknown. Not counted in ClinVar's aggregate classification.

Literature cited by the submitters: PubMed 16116423 (cited by Labcorp Genetics (formerly Invitae), Labcorp); PubMed 17033622 (cited by Labcorp Genetics (formerly Invitae), Labcorp); PubMed 21964575 (cited by Labcorp Genetics (formerly Invitae), Labcorp); PubMed 26315354 (cited by 6 submitters); PubMed 26720728 (cited by 6 submitters); PubMed 28888541 (cited by Color Diagnostics, LLC DBA Color Health and Quest Diagnostics Nichols Institute San Juan Capistrano); PubMed 33471991 (cited by Color Diagnostics, LLC DBA Color Health and Quest Diagnostics Nichols Institute San Juan Capistrano); PubMed 32359370 (cited by Quest Diagnostics Nichols Institute San Juan Capistrano and Women's Health and Genetics/Laboratory Corporation of America, LabCorp); PubMed 26921362 (cited by 3 submitters).

NM_032043.3(BRIP1):c.890del (p.Lys297fs)

Gene: BRIP1 (BRCA1 interacting DNA helicase 1; minus strand). Cytogenetic location: 17q23.2.
Variant type: Deletion.
Coding change: c.890del on transcript NM_032043.3 (MANE Select); coding-DNA position 890, one base deleted (A; older notation c.890delA).
Protein change: p.Lys297fs; shifts the reading frame from lysine 297.
Molecular consequence: frameshift variant.
Genome position (GRCh38, 1-based): chr17:61,808,495, T deleted on the plus strand (A on the coding strand, the reverse complement: BRIP1 is on the minus strand); the first of 2 consecutive T bases (chr17:61,808,495-61,808,496); deleting either gives the same sequence. VCF-style (leftmost placement, unchanged base first): chr17-61808494-CT-C. GRCh37 (hg19) VCF-style: chr17-59885855-CT-C.
Other names: c.890delA (NM_032043.2).
Identifiers: ClinVar variation 185987 (VCV000185987.27), dbSNP rs786202610, ClinGen allele CA193568.